The following is an entry in ClinVar:

ClinVar aggregate classification (germline): Likely pathogenic (0 of 4 stars; one submission).

Conditions:
Pyruvate dehydrogenase E1-alpha deficiency (PDHAD). Also called: ATAXIA, INTERMITTENT, WITH PYRUVATE DEHYDROGENASE DEFICIENCY; ATAXIA WITH LACTIC ACIDOSIS I; ATAXIA, INTERMITTENT, WITH ABNORMAL PYRUVATE METABOLISM; Ataxia, intermittent, with pyruvate dehydrogenase, or decarboxylase, deficiency. Identifiers: Orphanet 79243, MedGen C1839413, MONDO:0010717, OMIM 312170.

Submission:

PDHA1 Study Group, University Children’s Hospital, Paracelsus Medical University
Classification: Likely pathogenic for Pyruvate dehydrogenase E1-alpha deficiency. Last evaluated: 2024-10-15. Review status: no assertion criteria provided. Collection method: research. Allele origin: germline. Affected: yes. Observed: 1 variant allele.
Comment: The NM_000284.3:c.914_915insGATAGTTACCGTACACGAGAA (p.Arg304_Glu305insAspSerTyrArgThrArgGlu) change is a deletion-insertion (delins) variant in PDHA1 gene. The variant has been reported in 1 published case (PMIDs: 1551669). Last literature search: July 12, 2024. This variant is absent or extremely rare in population-based cohorts in the Genome Aggregation Database (gnomAD). Individuals harboring this variant presented with clinical features compatible with PDHA1-related PDHc deficiency. In summary, this variant meets criteria to be classified as likely pathogenic (LP) for PDHA1-related PDHc deficiency based on the ACMG/AMP criteria applied: PS3, PM2, PM7 (last assessment October 15, 2024).

Literature cited by the submitters: PubMed 1551669; DOI 10.1093/brain/awaf430.

NM_000284.4(PDHA1):c.914_915insGATAGTTACCGTACACGAGAA (p.Glu305_Glu306insIleValThrValHisGluLys)

Gene: PDHA1 (pyruvate dehydrogenase E1 subunit alpha 1; plus strand). Cytogenetic location: Xp22.12.
Variant type: Insertion.
Coding change: c.914_915insGATAGTTACCGTACACGAGAA on transcript NM_000284.4 (MANE Select); coding-DNA positions 914 to 915, GATAGTTACCGTACACGAGAA inserted.
Protein change: p.Glu305_Glu306insIleValThrValHisGluLys.
Molecular consequence: inframe insertion.
Genome position: GRCh38 VCF-style: chrX-19358929-G-GAGATAGTTACCGTACACGAGA. GRCh37 (hg19) VCF-style: chrX-19377047-G-GAGATAGTTACCGTACACGAGA.
Other names: c.1028_1029insGATAGTTACCGTACACGAGAA, p.Glu343_Glu344insIleValThrValHisGluLys (NM_001173454.2); c.935_936insGATAGTTACCGTACACGAGAA, p.Glu312_Glu313insIleValThrValHisGluLys (NM_001173455.2); c.821_822insGATAGTTACCGTACACGAGAA, p.Glu274_Glu275insIleValThrValHisGluLys (NM_001173456.2).
Identifiers: ClinVar variation 4070400 (VCV004070400.1).
Genomic context (GRCh38, chrX:19,358,929, plus strand): 5'-ACTGGAACTGCTCTTACTGATCGATTACTACTTTTCCCTCCCCATAGTTACCGTACACGA[G>GAGATAGTTACCGTACACGAGA]AAGAAATTCAGGAAGTAAGAAGTAAGAGTGACCCTATTATGCTTCTCAAGGACAGGATGG-3'